The following is an entry in ClinVar:

NM_005321.3(H1-4):c.185_186del (p.Leu62fs)

Gene: H1-4 (H1.4 linker histone, cluster member; plus strand). Cytogenetic location: 6p22.2.
Variant type: Microsatellite.
Coding change: c.185_186del on transcript NM_005321.3 (MANE Select); coding-DNA positions 185 to 186, 2 bases deleted (TC; older notation c.185_186delTC).
Protein change: p.Leu62fs; shifts the reading frame from leucine 62.
Molecular consequence: frameshift variant.
Genome position (GRCh38, 1-based): chr6:26,156,575-26,156,576, TC deleted; deleting any 2 consecutive bases within chr6:26,156,572-26,156,576 gives the same sequence; the c. name uses the placement nearest the transcript's 3' end. VCF-style (leftmost placement, unchanged base first): chr6-26156571-GCT-G. GRCh37 (hg19) VCF-style: chr6-26156799-GCT-G.
Other names: short protein forms L62fs.
Identifiers: ClinVar variation 3774615 (VCV003774615.1).

ClinVar aggregate classification (germline): Uncertain significance (1 of 4 stars; one submission).

Submission:

GeneDx
Classification: Uncertain significance. Last evaluated: 2024-09-30. Review status: criteria provided, single submitter. Criteria: GeneDx Variant Classification Process June 2021. Collection method: clinical testing. Allele origin: germline. Affected: yes.
Comment: Frameshift variant predicted to result in abnormal protein length as the last 158 amino acid(s) are replaced with 9 different amino acid(s); Has not been previously published as pathogenic or benign in association with H1-4-related disorder to our knowledge; This variant is associated with the following publications: (PMID: 26689913)